The following is an entry in ClinVar:

NM_000455.5(STK11):c.734+20G>A

Gene: STK11 (serine/threonine kinase 11; plus strand). Cytogenetic location: 19p13.3.
Variant type: single nucleotide variant.
Coding change: c.734+20G>A on transcript NM_000455.5 (MANE Select); 20 bases into the intron after coding-DNA position 734, G replaced by A.
Molecular consequence: intron variant.
Genome position (GRCh38, 1-based): chr19:1,220,737, G>A. VCF-style: chr19-1220737-G-A. GRCh37 (hg19) VCF-style: chr19-1220736-G-A.
Identifiers: ClinVar variation 139334 (VCV000139334.28), dbSNP rs375315233, ClinGen allele CA023259.

ClinVar aggregate classification (germline): Conflicting classifications of pathogenicity. Review status: criteria provided, conflicting classifications (1 of 4 stars). 11 submissions from 11 submitters: Uncertain significance (1); Benign (1); Likely benign (6). 3 of the submissions do not count toward it. Last evaluated 2026-02-04.

Conditions:
STK11-related disorder. Also called: STK11-related condition.
Breast and/or ovarian cancer. Identifiers: MedGen CN221562.
Hereditary cancer-predisposing syndrome. Also called: Neoplastic Syndromes, Hereditary; Hereditary Cancer Syndrome; Hereditary neoplastic syndrome; Tumor predisposition. Identifiers: Orphanet 140162, MedGen C0027672, MeSH D009386, MONDO:0015356.
Peutz-Jeghers syndrome (PJS). Also called: Peutz-Jeghers polyposis; Periorificial lentiginosis syndrome; POLYPOSIS, HAMARTOMATOUS INTESTINAL; POLYPS-AND-SPOTS SYNDROME. Identifiers: Orphanet 2869, MedGen C0031269, MeSH D010580, MONDO:0008280, OMIM 175200.

Allele frequency attached by ClinVar (database versions not stated): gnomAD 0.00007 and 0.00008; ESP Exome Variant Server 0.00008; TOPMed 0.00010; ExAC 0.00011; gnomAD exomes 0.00014.

Submissions (11):

Labcorp Genetics (formerly Invitae), Labcorp
Classification: Likely benign for Peutz-Jeghers syndrome. Last evaluated: 2026-02-04. Review status: criteria provided, single submitter. Criteria: Invitae Variant Classification Sherloc (09022015). Collection method: clinical testing. Allele origin: germline.

Center for Genomic Medicine, Rigshospitalet, Copenhagen University Hospital
Classification: Likely benign. Last evaluated: 2025-03-04. Review status: criteria provided, single submitter. Criteria: ACMG Guidelines, 2015. Collection method: clinical testing. Allele origin: germline.

Molecular Diagnostics Laboratory, Catalan Institute of Oncology
Classification: Likely benign for Hereditary cancer-predisposing syndrome. Last evaluated: 2025-02-18. Review status: criteria provided, single submitter. Criteria: ACMG Guidelines, 2015. Collection method: clinical testing. Allele origin: germline.
Comment: BP4, BP7 STK11:c.734+20G>A is an intronic variant located close to a canonical splice site. The SpliceAI algorithm predicts no significant impact on splicing (BP4). To our knowledge, neither relevant clinical data nor well-established functional studies have been reported for this variant. This variant has been reported in the ClinVar database (1x benign, 7x likely benign, 2x uncertain significance) and has not been reported in LOVD. Based on currently available information, the variant c.734+20G>A should be considered a likely benign variant according to ACMG/AMP classification guidelines.

CHEO Genetics Diagnostic Laboratory, Children's Hospital of Eastern Ontario
Classification: Uncertain significance for Breast and/or ovarian cancer. Last evaluated: 2022-03-15. Review status: criteria provided, single submitter. Criteria: ACMG Guidelines, 2015. Collection method: clinical testing. Allele origin: germline.

Genome-Nilou Lab
Classification: Likely benign for Peutz-Jeghers syndrome. Last evaluated: 2021-07-15. Review status: criteria provided, single submitter. Criteria: ACMG Guidelines, 2015. Collection method: clinical testing. Allele origin: germline. Affected: no.

Ambry Genetics
Classification: Likely benign for Hereditary cancer-predisposing syndrome. Last evaluated: 2016-11-23. Review status: criteria provided, single submitter. Criteria: Ambry Variant Classification Scheme 2023. Collection method: clinical testing. Allele origin: germline.

Color Diagnostics, LLC DBA Color Health
Classification: Likely benign for Hereditary cancer-predisposing syndrome. Last evaluated: 2015-05-28. Review status: criteria provided, single submitter. Criteria: ACMG Guidelines, 2015. Collection method: clinical testing. Allele origin: germline.

GeneDx
Classification: Benign. Last evaluated: 2014-02-12. Review status: criteria provided, single submitter. Criteria: GeneDx Variant Classification (06012015). Collection method: clinical testing. Allele origin: germline. Affected: yes.
Comment: This variant is considered likely benign or benign based on one or more of the following criteria: it is a conservative change, it occurs at a poorly conserved position in the protein, it is predicted to be benign by multiple in silico algorithms, and/or has population frequency not consistent with disease.

PreventionGenetics, part of Exact Sciences
Classification: Likely benign for STK11-related condition. Last evaluated: 2022-11-15. Review status: no assertion criteria provided. Collection method: clinical testing. Allele origin: germline. Not counted in ClinVar's aggregate classification.
Comment: This variant is classified as likely benign based on ACMG/AMP sequence variant interpretation guidelines (Richards et al. 2015 PMID: 25741868, with internal and published modifications).

Counsyl
Classification: Likely benign for Peutz-Jeghers syndrome. Last evaluated: 2016-08-31. Review status: no assertion criteria provided. Collection method: clinical testing. Allele origin: unknown. Not counted in ClinVar's aggregate classification.

Mayo Clinic Laboratories, Mayo Clinic
Classification: Uncertain significance. Review status: no assertion criteria provided. Collection method: clinical testing. Allele origin: unknown. Not counted in ClinVar's aggregate classification.